The following is an entry in ClinVar:

ClinVar aggregate classification (germline): Conflicting classifications of pathogenicity. Review status: criteria provided, conflicting classifications (1 of 4 stars). 6 submissions from 5 submitters: Uncertain significance (2); Benign (1); Likely benign (3). Last evaluated 2026-05-04.

Conditions:
Autosomal dominant nonsyndromic hearing loss 36. Identifiers: Orphanet 90635, MedGen C1847626, MONDO:0011708, OMIM 606705.
Autosomal recessive nonsyndromic hearing loss 7. Also called: DEAFNESS, AUTOSOMAL RECESSIVE 11. Identifiers: Orphanet 90636, MedGen C1832978, MONDO:0010967, OMIM 600974.

Allele frequency attached by ClinVar (database versions not stated): ESP Exome Variant Server 0.00008; TOPMed 0.00008; gnomAD 0.00009 and 0.00014; gnomAD exomes 0.00029 and 0.00014; ExAC 0.00037; 1000 Genomes Project 0.00040; 1000 Genomes Project 30x 0.00062.
gnomAD v4.1: 225 of 1,613,812 alleles (0.014%); highest among the groups gnomAD compares: South Asian, 0.18%; 3 homozygotes.

Submissions (6):

Women's Health and Genetics/Laboratory Corporation of America, LabCorp
Classification: Likely benign. Last evaluated: 2026-05-04. Review status: criteria provided, single submitter. Criteria: LabCorp Variant Classification Summary - May 2015. Collection method: clinical testing. Allele origin: germline.
Comment: Variant summary: TMC1 c.760G>A (p.Val254Ile) results in a conservative amino acid change in the encoded protein sequence. Algorithms developed to predict the effect of missense changes on protein structure and function are either unavailable or do not agree on the potential impact of this missense change. The variant allele was found at a frequency of 0.00029 in 251304 control chromosomes, predominantly at a frequency of 0.002 within the South Asian subpopulation in the gnomAD database, including 2 homozygotes. The observed variant frequency within South Asian control individuals in the gnomAD database exceeds the estimated maximal expected allele frequency for disease-causing variants in TMC1. To our knowledge, no occurrence of c.760G>A in individuals affected with TMC1-related conditions and no experimental evidence demonstrating its impact on protein function have been reported. ClinVar contains an entry for this variant (Variation ID: 47877). Based on the evidence outlined above, the variant was classified as likely benign.

Labcorp Genetics (formerly Invitae), Labcorp
Classification: Benign. Last evaluated: 2025-11-25. Review status: criteria provided, single submitter. Criteria: Invitae Variant Classification Sherloc (09022015). Collection method: clinical testing. Allele origin: germline.

Blueprint Genetics
Classification: Uncertain significance. Last evaluated: 2024-02-08. Review status: criteria provided, single submitter. Criteria: ACMG Guidelines, 2015. Collection method: clinical testing. Allele origin: germline.

Illumina Laboratory Services, Illumina
Classification: Likely benign for Autosomal dominant nonsyndromic hearing loss 36. Last evaluated: 2018-01-13. Review status: criteria provided, single submitter. Criteria: ICSL Variant Classification Criteria 13 December 2019. Collection method: clinical testing. Allele origin: germline.
Comment: This variant was observed in the ICSL laboratory as part of a predisposition screen in an ostensibly healthy population. It had not been previously curated by ICSL or reported in the Human Gene Mutation Database (HGMD: prior to June 1st, 2018), and was therefore a candidate for classification through an automated scoring system. Utilizing variant allele frequency, disease prevalence and penetrance estimates, and inheritance mode, an automated score was calculated to assess if this variant is too frequent to cause the disease. Based on the score and internal cut-off values, a variant classified as likely benign is not then subjected to further curation. The score for this variant resulted in a classification of likely benign for this disease.

Illumina Laboratory Services, Illumina
Classification: Uncertain significance for Autosomal recessive nonsyndromic hearing loss 7. Last evaluated: 2018-01-13. Review status: criteria provided, single submitter. Criteria: ICSL Variant Classification Criteria 13 December 2019. Collection method: clinical testing. Allele origin: germline.

Laboratory for Molecular Medicine, Mass General Brigham Personalized Medicine
Classification: Likely benign. Last evaluated: 2013-02-07. Review status: criteria provided, single submitter. Criteria: LMM Criteria. Collection method: clinical testing. Allele origin: germline. Observed: 2 variant alleles.
Comment: Val254Ile in exon 13 of TMC1: This variant is not expected to have clinical sign ificance because this amino acid is not evolutionarily conserved and some mammal s, including kangaroo rat, horse, and cat, carry an isoleucine (Ile) at this pos ition. It has also been identified in 1/4406 African American chromosomes in a b road population by the NHLBI Exome sequencing project (. edu/EVS/;dbSNP rs111033497).

NM_138691.3(TMC1):c.760G>A (p.Val254Ile)

Gene: TMC1 (transmembrane channel like 1; plus strand). Cytogenetic location: 9q21.13.
Variant type: single nucleotide variant.
Coding change: c.760G>A on transcript NM_138691.3 (MANE Select); coding-DNA position 760, G replaced by A.
Protein change: p.Val254Ile; replaces valine 254 with isoleucine.
Molecular consequence: missense variant.
Genome position (GRCh38, 1-based): chr9:72,772,431, G>A. VCF-style: chr9-72772431-G-A. GRCh37 (hg19) VCF-style: chr9-75387347-G-A.
Other names: short protein forms V254I.
Identifiers: ClinVar variation 47877 (VCV000047877.14), dbSNP rs111033497, ClinGen allele CA142085.